The following is an entry in ClinVar:

NC_000002.11:g.(?_32466082)_(32481844_?)dup

Gene: NLRC4 (NLR family CARD domain containing 4; minus strand). Cytogenetic location: 2p22.3.
Variant type: Duplication.
Identifiers: ClinVar variation 1489848 (VCV001489848.5).

ClinVar aggregate classification (germline): Uncertain significance (1 of 4 stars; one submission).

Conditions:
Familial cold autoinflammatory syndrome 4 (FCAS4). Identifiers: Orphanet 47045, Orphanet 576349, MedGen C4015276, MONDO:0014498, OMIM 616115.
Periodic fever-infantile enterocolitis-autoinflammatory syndrome. Also called: Autoinflammation with infantile enterocolitis. Identifiers: Orphanet 436166, MedGen C4015067, MONDO:0014472, OMIM 616050.

Submission:

Labcorp Genetics (formerly Invitae), Labcorp
Classification: Uncertain significance for Periodic fever-infantile enterocolitis-autoinflammatory syndrome; Familial cold autoinflammatory syndrome 4. Last evaluated: 2022-06-27. Review status: criteria provided, single submitter. Criteria: Invitae Variant Classification Sherloc (09022015). Collection method: clinical testing. Allele origin: germline.
Comment: In summary, the available evidence is currently insufficient to determine the role of this variant in disease. Therefore, it has been classified as a Variant of Uncertain Significance. This variant has not been reported in the literature in individuals affected with NLRC4-related conditions. This variant results in a copy number gain of the genomic region encompassing exon(s) 2-5 of the NLRC4 gene. This region includes the initiator codon of the gene. This copy number gain extends beyond the assayed region for this gene and therefore may encompass additional genes. As the precise location of this event is unknown, it may be in tandem or it may be located elsewhere in the genome.